The following continues an entry in ClinVar:

NM_004004.6(GJB2):c.617A>G (p.Asn206Ser)

Gene: GJB2. ClinVar aggregate classification (germline): Pathogenic/Likely pathogenic. Pathogenic (18); Likely pathogenic (2).

Submissions 9 to 20 of 20:

ARUP Laboratories, Molecular Genetics and Genomics, ARUP Laboratories
Classification: Pathogenic. Last evaluated: 2021-04-08. Review status: criteria provided, single submitter. Criteria: ARUP Molecular Germline Variant Investigation Process 2021. Collection method: clinical testing. Allele origin: germline.
Comment: The GJB2 c.617A>G; p.Asn206Ser variant (rs111033294) is reported in the literature in individuals with sensorineural hearing loss, either in the homozygous state (Marlin 2005) or in trans to other pathogenic GJB2 variants (Kenna 2001, Marlin 2001, Marlin 2005, Putcha 2007). This variant is found in the general population with an overall allele frequency of 0.01% (29/282456 alleles) in the Genome Aggregation Database and is reported as pathogenic by multiple laboratories in ClinVar (Variation ID: 44763). In functional assays, the p.Asn206Ser variant protein appears to be localized normally (Mese 2004, Fleishman 2006, Ambrosi 2013) and can form functional channels capable of electrical coupling, but these channels are less permeable to larger cations and exhibit reduced conductance compared to wildtype protein (Mese 2004, Mese 2008). Based on available information, this variant is considered to be pathogenic. References: Fleishman et al. The structural context of disease-causing mutations in gap junctions. J Biol Chem. 2006; 281(39): 28958-28963. Kenna et al. Connexin 26 studies in patients with sensorineural hearing loss. Arch Otolaryngol Head Neck Surg. 2001; 127(9): 1037-1042. Marlin et al. Connexin 26 gene mutations in congenitally deaf children: pitfalls for genetic counseling. Arch Otolaryngol Head Neck Surg. 2001; 127(8): 927-933. Marlin et al. GJB2 and GJB6 mutations: genotypic and phenotypic correlations in a large cohort of hearing-impaired patients. Arch Otolaryngol Head Neck Surg. 2005; 131(6): 481-487. Mese et al. Altered gating properties of functional Cx26 mutants associated with recessive non-syndromic hearing loss. Hum Genet. 2004; 115(3): 191-199. Mese et al. Connexin26 deafness associated mutations show altered permeability to large cationic molecules. Am J Physiol Cell Physiol. 2008; 295(4): C966-974. Putcha et al. A multicenter study of the frequency and distribution of GJB2 and GJB6 mutations in a large North American cohort. Genet Med. 2007; 9(7): 413-426.

Athena Diagnostics
Classification: Pathogenic. Last evaluated: 2021-02-11. Review status: criteria provided, single submitter. Criteria: Athena Diagnostics criteria. Collection method: clinical testing. Allele origin: unknown.
Comment: The frequency of this variant in the general population is consistent with pathogenicity. This variant has been identified in at least one individual with clinical features associated with this gene. Experimental evidence regarding the effect of this variant on protein function is conflicting. Although studies show reduced channel permeability to large cationic molecules, they also show it is similar to wildtype (PMID: 18684989, 15241677, 16864573, 23967136). In multiple individuals, this variant has been seen with a single recessive pathogenic variant in the same gene, suggesting this variant may also be pathogenic. Computational tools predict that this variant is damaging.

INGEBI, INGEBI / CONICET
Classification: Pathogenic for Nonsyndromic hearing loss and deafness. Last evaluated: 2020-08-21. Review status: criteria provided, single submitter. Criteria: ClinGen HL ACMG Specifications v1. Collection method: clinical testing. Allele origin: germline. Inheritance: Autosomal recessive inheritance. Affected: yes. Observed: 9 variant alleles, 4 heterozygotes, 3 compound heterozygotes, 2 homozygotes. Clinical features observed: Prelingual severe to profound bilateral hearing loss, Postlingual profound hearing loss.
Comment: Based on ACMG/AMP guidelines and Hearing Loss Expert Panel specific criteria: the filtering allele frequency of c.617A>G, p.Asn206Ser is 0,031% in Latino chromosomes from Genome Aggregation Database (calculated by using inverse allele frequency at an online resource), which meets the PM2_Supporting criteria meeting PM2_supp. This variant has been reported several times (more than 5) in trans with pathogenic variants individuals and also in homozygous state in hearing loss individuals (PMID: 23668481, 16380907, 17666888, 15967879, 12172394, 115556849, 15070423, 14985372, 11493200, 24158611; PM3_VeryStrong). p.Asn206Ser change in trans with a pathogenic variant segregated in one affected and unaffected siblings (Laboratory of Physiology and Genetics of Hearing, INGEBI internal data) meeting PP1_Moderate criteria. Computational data predicted a negative impact of the mutation to the protein (REVELscore: 0.775) applying to PP3 rule. Functional studies in Xenopus laevis oocytes and HeLa cells demonstrated a highly reduced function of mutant compared to WTCX26: decreased dye transfer, permeability to cationic and large molecules and conductance levels applying PS3_Moderate rule(PMID: 23967136, 18684989). In summary, this variant meets criteria to be classified as pathogenic for autosomal recessive non-syndromic hearing loss: PM2_Sup, PP3, PP1_Mod , PM3_VeryStrong and PS3_Moderate.

Myriad Genetics, Inc.
Classification: Pathogenic for Autosomal recessive nonsyndromic hearing loss 1A. Last evaluated: 2020-01-03. Review status: criteria provided, single submitter. Criteria: Myriad Women's Health Autosomal Recessive and X-Linked Classification Criteria (2019). Collection method: clinical testing. Allele origin: unknown.
Comment: NM_004004.5(GJB2):c.617A>G(N206S) is classified as pathogenic in the context of GJB2-related DFNB1 nonsyndromic hearing loss and deafness. Sources cited for classification include the following: PMID: 15070423, 14985372, 15967879, 12172394 and 11493200. Classification of NM_004004.5(GJB2):c.617A>G(N206S) is based on the following criteria: This is a well-established pathogenic variant in the literature that has been observed more frequently in patients with clinical diagnoses than in healthy populations. Please note: this variant was assessed in the context of healthy population screening.

Revvity Omics, Revvity
Classification: Pathogenic. Last evaluated: 2019-05-11. Review status: criteria provided, single submitter. Criteria: ACMG Guidelines, 2015. Collection method: clinical testing. Allele origin: germline.

Laboratory for Molecular Medicine, Mass General Brigham Personalized Medicine
Classification: Pathogenic for Rare genetic deafness. Last evaluated: 2017-08-10. Review status: criteria provided, single submitter. Criteria: LMM Criteria. Collection method: clinical testing. Allele origin: germline. Inheritance: Autosomal recessive inheritance. Observed: 9 variant alleles.
Comment: The p.Asn206Ser variant in GJB2 has been reported in many individuals with heari ng loss (Kenna 2001, Wu 2002, Pandya 2003, Cryns 2004, Roux 2004, Snoeckx 2005, Marlin 2005, Putcha 2007, Rodriguez-Paris 2008, LMM data). At least 5 of these i ndividuals were homozygous or compound heterozygous with a second pathogenic var iant, and the variant segregated with hearing loss in at least 1 affected siblin g. This variant has also been identified in 0.05% (17/34414) of Latino chromosom es and 0.01% (9/126442) of European chromosomes by gnomAD; however, its frequency is low enough to be consistent with a reces sive carrier frequency. Computational prediction tools and conservation analysis are consistent with pathogenicity. Furthermore, in vitro functional studies sup port an impact on protein function (Mese 2004, Fleishman 2006, Mese 2008). In su mmary, this variant meets criteria to be classified as pathogenic for autosomal recessive nonsyndromic sensorineural hearing loss. ACMG/AMP Criteria applied: PM 3_VeryStrong, PM2_Supporting, PP3, PS3_Supporting, PP1.

Women's Health and Genetics/Laboratory Corporation of America, LabCorp
Classification: Pathogenic for Autosomal recessive nonsyndromic hearing loss 1A. Last evaluated: 2017-03-10. Review status: criteria provided, single submitter. Criteria: LabCorp Variant Classification Summary - May 2015. Collection method: clinical testing. Allele origin: germline.
Comment: Variant summary: The GJB2 c.617A>G (p.Asn206Ser) variant involves the alteration of a conserved nucleotide. 2/4 in silico tools predict a benign outcome for this variant (SNPs&GO not captured due to low reliability index). This variant was found in 10/119604 control chromosomes at a frequency of 0.0000836, which does not exceed the estimated maximal expected allele frequency of a pathogenic GJB2 variant (0.025). This variant has been reported in many affected individuals both as homozygotes and compound heterozygotes. Functional studies showed the variant to result in channel malfunction with normal trafficking (Ambros_PNAS_2013). In addition, multiple clinical diagnostic laboratories/reputable databases classified this variant as pathogenic. Taken together, this variant is classified as pathogenic.

Eurofins Ntd Llc (ga)
Classification: Pathogenic. Last evaluated: 2015-01-21. Review status: criteria provided, single submitter. Criteria: EGL Classification Definitions 2015. Collection method: clinical testing. Allele origin: germline. Observed: 1 variant allele, 1 heterozygote.

Genetic Services Laboratory, University of Chicago
Classification: Pathogenic for Hearing impairment. Last evaluated: 2013-02-08. Review status: criteria provided, single submitter. Criteria: ACMG Guidelines, 2007. Collection method: clinical testing. Allele origin: germline. Inheritance: Autosomal recessive inheritance. Affected: yes.

Baylor Genetics
Classification: Pathogenic for Autosomal recessive nonsyndromic hearing loss 1A; Autosomal recessive nonsyndromic hearing loss 1B. Review status: criteria provided, single submitter. Criteria: ACMG Guidelines, 2015. Collection method: clinical testing. Allele origin: germline.

Clinical Genetics Service, Universitary Hospital 12 de Octubre
Classification: Pathogenic for Autosomal recessive nonsyndromic hearing loss 1A. Review status: criteria provided, single submitter. Criteria: ACMG Guidelines, 2015. Collection method: clinical testing. Allele origin: germline. Affected: yes.

Laboratoire de Génétique Moléculaire, CHU Bordeaux
Classification: Likely pathogenic. Review status: criteria provided, single submitter. Criteria: ACMG Guidelines, 2015. Collection method: clinical testing. Allele origin: germline. Affected: yes.

Literature cited by the submitters: PubMed 12172394 (cited by 7 submitters); PubMed 14985372 (cited by 5 submitters); PubMed 15070423 (cited by 6 submitters); PubMed 15967879 (cited by 8 submitters); PubMed 15241677 (cited by 4 submitters); PubMed 18684989 (cited by 7 submitters); PubMed 23967136 (cited by 5 submitters); PubMed 31370293 (cited by Natera, Inc. and Athena Diagnostics); PubMed 11493200 (cited by 6 submitters); PubMed 15479191 (cited by 3billion); PubMed 23668481 (cited by 4 submitters); PubMed 16380907 (cited by 5 submitters); PubMed 17666888 (cited by 4 submitters); PubMed 16864573 (cited by 3 submitters); PubMed 23328711 (cited by Dasa); PubMed 16950989 (cited by Athena Diagnostics); PubMed 11556849 (cited by 4 submitters); PubMed 12865758 (cited by Athena Diagnostics and Laboratory for Molecular Medicine, Mass General Brigham Personalized Medicine); PubMed 18988928 (cited by Athena Diagnostics and Laboratory for Molecular Medicine, Mass General Brigham Personalized Medicine); PubMed 25401782 (cited by Athena Diagnostics); PubMed 25087612 (cited by Athena Diagnostics); PubMed 30390570 (cited by Athena Diagnostics); PubMed 115556849 (cited by INGEBI, INGEBI / CONICET); PubMed 24158611 (cited by INGEBI, INGEBI / CONICET); PubMed 22796187 (cited by Women's Health and Genetics/Laboratory Corporation of America, LabCorp).